The following is an entry in ClinVar:

NM_018417.6(ADCY10):c.1878T>A (p.Phe626Leu)

Gene: ADCY10 (adenylate cyclase 10; minus strand). Cytogenetic location: 1q24.2.
Variant type: single nucleotide variant.
Coding change: c.1878T>A on transcript NM_018417.6 (MANE Select); coding-DNA position 1878, T replaced by A.
Protein change: p.Phe626Leu; replaces phenylalanine 626 with leucine.
Molecular consequence: missense variant.
Genome position (GRCh38, 1-based): chr1:167,859,825, A>T on the plus strand (T>A on the coding strand, the complement: ADCY10 is on the minus strand). VCF-style: chr1-167859825-A-T. GRCh37 (hg19) VCF-style: chr1-167829063-A-T.
Other names: c.1419T>A, p.Phe473Leu (NM_001167749.3); c.1602T>A, p.Phe534Leu (NM_001297772.2); short protein forms F534L, F626L, F473L.
Identifiers: ClinVar variation 2518479 (VCV002518479.6), dbSNP rs760297046, ClinGen allele CA1227812.

ClinVar aggregate classification (germline): Uncertain significance. Review status: criteria provided, multiple submitters, no conflicts (2 of 4 stars). 2 submissions from 2 submitters: Uncertain significance (2). Last evaluated 2025-12-11.

Allele frequency attached by ClinVar (database versions not stated): gnomAD 0.00001; gnomAD exomes 0.00002; TOPMed 0.00003; ExAC 0.00007.
gnomAD v4.1: 36 of 1,613,442 alleles (0.0022%); highest among the groups gnomAD compares: East Asian, 0.08%; no homozygotes.

Submissions (2):

Ambry Genetics
Classification: Uncertain significance. Last evaluated: 2025-12-11. Review status: criteria provided, single submitter. Criteria: Ambry Variant Classification Scheme 2023. Collection method: clinical testing. Allele origin: germline.

Labcorp Genetics (formerly Invitae), Labcorp
Classification: Uncertain significance. Last evaluated: 2024-04-10. Review status: criteria provided, single submitter. Criteria: Invitae Variant Classification Sherloc (09022015). Collection method: clinical testing. Allele origin: germline.
Comment: This sequence change replaces phenylalanine, which is neutral and non-polar, with leucine, which is neutral and non-polar, at codon 626 of the ADCY10 protein (p.Phe626Leu). This variant is present in population databases (rs760297046, gnomAD 0.1%), and has an allele count higher than expected for a pathogenic variant. This variant has not been reported in the literature in individuals affected with ADCY10-related conditions. ClinVar contains an entry for this variant (Variation ID: 2518479). An algorithm developed to predict the effect of missense changes on protein structure and function (PolyPhen-2) suggests that this variant is likely to be tolerated. In summary, the available evidence is currently insufficient to determine the role of this variant in disease. Therefore, it has been classified as a Variant of Uncertain Significance.